The following is an entry in ClinVar:

ClinVar aggregate classification (germline): Likely pathogenic. Review status: reviewed by expert panel (3 of 4 stars). 3 submissions from 3 submitters: Likely pathogenic (1). 2 of the submissions do not count toward it. Last evaluated 2025-07-24.

Conditions:
Monogenic diabetes. Identifiers: Orphanet 183625, MedGen C3888631, MONDO:0015967.
Maturity-onset diabetes of the young (MODY). Also called: Maturity onset diabetes mellitus in young. Identifiers: Orphanet 552, MedGen C0342276, MONDO:0018911, HP:0004904.

Submissions (3):

ClinGen Monogenic Diabetes Variant Curation Expert Panel
Classification: Likely pathogenic for Monogenic diabetes. Last evaluated: 2025-07-24. Review status: reviewed by expert panel. Criteria: ClinGen Diabetes ACMG Specifications HNF1A V3.0.0. Collection method: curation. Allele origin: germline. Inheritance: Autosomal dominant inheritance.
Comment: The c.616T>A variant in the HNF1 homeobox A gene, HNF1A, causes an amino acid change of tryptophan to arginine at codon 206 (p.(Trp206Arg)) of NM_000545.8. This variant resides in an amino acid within the HNF1α DNA binding domain that directly binds DNA, which is defined as critical for the protein’s function by the ClinGen MDEP (PM1). This variant is absent from gnomAD v2.1.1 and v4.1.0 (PM2_Supporting). This variant is predicted to be deleterious by computational evidence, with a REVEL score of 0.899, which is greater than the MDEP threshold of 0.70 (PP3). This variant was identified in at least two individuals with a clinical history highly specific for HNF1A-MODY (MODY probability calculator result >50%, negative genetic testing for HNF4A, negative antibodies) (PP4_Moderate; internal lab contributors). This variant was identified in three unrelated individuals with non-autoimmune and non-absolute/near-absolute insulin-deficient diabetes; however, PS4_Moderate cannot be applied because this number is below the ClinGen MDEP threshold (internal lab contributors). This variant segregated with diabetes with one informative meiosis in a single family; however, this does not meet the thresholds for PP1 set by the ClinGen MDEP (internal lab contributors). In summary, c.616T>A meets the criteria to be classified as likely pathogenic for monogenic diabetes. ACMG/AMP criteria applied, as specified by the ClinGen MDEP (specification version 3.0.0, approved 6/30/2025): PM1, PM2_Supporting, PP3, PP4_Moderate.

Personalized Diabetes Medicine Program, University of Maryland School of Medicine
Classification: Uncertain significance for Monogenic diabetes. Last evaluated: 2015-12-04. Review status: criteria provided, single submitter. Criteria: ACMG Guidelines, 2015. Collection method: research. Allele origin: unknown. Observed: 1 variant allele, 1 heterozygote. Not counted in ClinVar's aggregate classification.
Comment: ACMG Criteria: PM1 (HOX DNA binding domain), PM2, PP3

Clinical Genomics, Uppaluri K&H Personalized Medicine Clinic
Classification: Likely risk allele for Maturity-onset diabetes of the young. Review status: criteria provided, single submitter. Criteria: K & H Uppaluri Personalized Medicine Clinic Variant Classification & Assertion Criteria_Updated V.1. Collection method: research. Allele origin: unknown. Inheritance: Autosomal dominant inheritance. Not counted in ClinVar's aggregate classification.
Comment: Mutations in HNF1A gene can predispose to MODY3. It is associated with both micro and macrovascular complications of diabetes, especially cardiovascular complications. Associated with glucosuria. May respond well to sulfonylureas. However, more evidence is required to confer the association of this particular variant rs1057524898 with MODY3.

Literature cited by the submitters: PubMed 31517624 (cited by Clinical Genomics, Uppaluri K&H Personalized Medicine Clinic); PubMed 32395877 (cited by Clinical Genomics, Uppaluri K&H Personalized Medicine Clinic); PubMed 35328643 (cited by Clinical Genomics, Uppaluri K&H Personalized Medicine Clinic); PubMed 35673428 (cited by Clinical Genomics, Uppaluri K&H Personalized Medicine Clinic).

NM_000545.8(HNF1A):c.616T>A (p.Trp206Arg)

Gene: HNF1A (HNF1 homeobox A; plus strand). Cytogenetic location: 12q24.31.
Variant type: single nucleotide variant.
Coding change: c.616T>A on transcript NM_000545.8 (MANE Select); coding-DNA position 616, T replaced by A.
Protein change: p.Trp206Arg; replaces tryptophan 206 with arginine.
Molecular consequence: missense variant.
Genome position (GRCh38, 1-based): chr12:120,993,609, T>A. VCF-style: chr12-120993609-T-A. GRCh37 (hg19) VCF-style: chr12-121431412-T-A.
Other names: NM_000545.8(HNF1A):c.616T>A; p.Trp206Arg; c.616T>A, p.Trp206Arg (NM_001306179.2); short protein forms W206R.
Identifiers: ClinVar variation 393434 (VCV000393434.6), dbSNP rs1057524898, ClinGen allele CA16609261.